The following is an entry in ClinVar:

NM_201384.3(PLEC):c.7609CAG[3] (p.Gln2540del)

Gene: PLEC (plectin; minus strand). Cytogenetic location: 8q24.3.
Variant type: Microsatellite.
Coding change: c.7609CAG[3] on transcript NM_201384.3 (MANE Select); three copies in a row of the 3-base unit CAG starting at c.7609; the reference has four copies in a row; one copy, 3 bases deleted.
Protein change: p.Gln2540del; deletes glutamine 2540.
Molecular consequence: inframe deletion.
Genome position (GRCh38, 1-based): chr8:143,922,201-143,922,203, CTG deleted on the plus strand (CAG on the coding strand, the reverse complement: PLEC is on the minus strand); deleting any 3 consecutive bases within chr8:143,922,201-143,922,213 gives the same sequence; the position shown is the placement nearest the transcript's 3' end. VCF-style (leftmost placement, unchanged base first): chr8-143922200-TCTG-T. GRCh37 (hg19) VCF-style: chr8-144996368-TCTG-T.
Other names: c.7690CAG[3], p.Gln2567del (NM_000445.5); c.7567CAG[3], p.Gln2526del (NM_201378.4); c.7543CAG[3], p.Gln2518del (NM_201379.3); c.8020CAG[3], p.Gln2677del (NM_201380.4); c.7513CAG[3], p.Gln2508del (NM_201381.3); c.7609CAG[3], p.Gln2540del (NM_201382.4); c.7621CAG[3], p.Gln2544del (NM_201383.3); short protein forms Q2508del, Q2544del, Q2567del, Q2518del, Q2526del, Q2540del, Q2677del.
Identifiers: ClinVar variation 1465831 (VCV001465831.6), dbSNP rs782806023, ClinGen allele CA4925565.
Genomic context (GRCh38, chr8:143,922,200, plus strand): 5'-CATGCTGCCGCCGCCGCGCCTCCTCCATGCTGGCCACCAGCCGCTGCCGTTCCTGCTCCA[TCTG>T]CTGCTGCTGCCGCTGCTGCTCCTCACGCAGCTGCTGTGCCTTGGCCACCTCGTCCTGGAA-3'

ClinVar aggregate classification (germline): Uncertain significance (1 of 4 stars; one submission).

Conditions:
Epidermolysis bullosa simplex 5B, with muscular dystrophy (EBS5B). Also called: EPIDERMOLYSIS BULLOSA SIMPLEX AND LIMB-GIRDLE MUSCULAR DYSTROPHY; Epidermolysis bullosa simplex with muscular dystrophy. Identifiers: Orphanet 257, MedGen C2931072, MONDO:0009181, OMIM 226670.
Epidermolysis bullosa simplex, Ogna type (EBS5A). Also called: Pidermolysis bullosa simplex 5A, Ogna type; EPIDERMOLYSIS BULLOSA SIMPLEX 5A, OGNA TYPE. Identifiers: Orphanet 79401, MedGen C0432317, MONDO:0007555, OMIM 131950.
Epidermolysis bullosa simplex with nail dystrophy (EBS5D). Identifiers: MedGen C4225309, MONDO:0014661, OMIM 616487.
Autosomal recessive limb-girdle muscular dystrophy type 2Q (LGMDR17). Also called: MUSCULAR DYSTROPHY, LIMB-GIRDLE, AUTOSOMAL RECESSIVE 17. Identifiers: Orphanet 254361, MedGen C3150989, MONDO:0013390, OMIM 613723.
Epidermolysis bullosa simplex 5C, with pyloric atresia (EBS5C). Also called: PLEC1-Related Epidermolysis Bullosa with Pyloric Atresia; PLEC-Related Epidermolysis Bullosa with Pyloric Atresia; Epidermolysis bullosa simplex with pyloric atresia. Identifiers: Orphanet 158684, MedGen C2677349, MONDO:0012807, OMIM 612138.

Submission:

Labcorp Genetics (formerly Invitae), Labcorp
Classification: Uncertain significance for Autosomal recessive limb-girdle muscular dystrophy type 2Q; Epidermolysis bullosa simplex, Ogna type; Epidermolysis bullosa simplex with nail dystrophy; Epidermolysis bullosa simplex 5C, with pyloric atresia; Epidermolysis bullosa simplex 5B, with muscular dystrophy. Last evaluated: 2021-08-04. Review status: criteria provided, single submitter. Criteria: Invitae Variant Classification Sherloc (09022015). Collection method: clinical testing. Allele origin: germline.
Comment: This variant, c.7699_7701del, results in the deletion of 1 amino acid(s) of the PLEC protein (p.Gln2567del), but otherwise preserves the integrity of the reading frame. The frequency data for this variant in the population databases is considered unreliable, as metrics indicate poor data quality at this position in the ExAC database. This variant has not been reported in the literature in individuals affected with PLEC-related conditions. Experimental studies and prediction algorithms are not available or were not evaluated, and the functional significance of this variant is currently unknown. In summary, the available evidence is currently insufficient to determine the role of this variant in disease. Therefore, it has been classified as a Variant of Uncertain Significance.